The following is an entry in ClinVar:

ClinVar aggregate classification (germline): Uncertain significance. Review status: criteria provided, multiple submitters, no conflicts (2 of 4 stars). 2 submissions from 2 submitters: Uncertain significance (2). Last evaluated 2024-04-24.

Conditions:
Nemaline myopathy 2 (NEM2). Also called: Nemaline myopathy 2, autosomal recessive. Identifiers: MedGen C1850569, MONDO:0009725, OMIM 256030.

Allele frequency attached by ClinVar (database versions not stated): gnomAD 0.00001.
gnomAD v4.1: 2 of 1,613,490 alleles (0.00012%); highest among the groups gnomAD compares: Non-Finnish European, 0.00017%; no homozygotes.

Submissions (2):

GeneDx
Classification: Uncertain significance. Last evaluated: 2024-04-24. Review status: criteria provided, single submitter. Criteria: GeneDx Variant Classification Process June 2021. Collection method: clinical testing. Allele origin: germline. Affected: yes.
Comment: Not observed at significant frequency in large population cohorts (gnomAD); In silico analysis supports that this missense variant has a deleterious effect on protein structure/function; Has not been previously published as pathogenic or benign to our knowledge

Illumina Laboratory Services, Illumina
Classification: Uncertain significance for Nemaline myopathy 2. Last evaluated: 2018-01-13. Review status: criteria provided, single submitter. Criteria: ICSL Variant Classification Criteria 13 December 2019. Collection method: clinical testing. Allele origin: germline.

NM_001164508.2(NEB):c.19699C>A (p.His6567Asn)

Gene: NEB (nebulin; minus strand). Cytogenetic location: 2q23.3.
Variant type: single nucleotide variant.
Coding change: c.19699C>A on transcript NM_001164508.2 (MANE Select); coding-DNA position 19699, C replaced by A.
Protein change: p.His6567Asn; replaces histidine 6567 with asparagine.
Molecular consequence: missense variant.
Genome position (GRCh38, 1-based): chr2:151,553,430, G>T on the plus strand (C>A on the coding strand, the complement: NEB is on the minus strand). VCF-style: chr2-151553430-G-T. GRCh37 (hg19) VCF-style: chr2-152409944-G-T.
Other names: c.19699C>A, p.His6567Asn (NM_001164507.2, NM_001271208.2); c.14596C>A, p.His4866Asn (NM_004543.5); c.19699C>A (NM_001271208.1); short protein forms H4866N, H6567N.
Identifiers: ClinVar variation 331444 (VCV000331444.6), dbSNP rs886054933, ClinGen allele CA10610938.
Genomic context (GRCh38, chr2:151,553,430, plus strand): 5'-ACTAAAGAACAAAACAAGGCAAACTCACATCATCACGTAGATCATAAGCATGCTTGGCAT[G>T]GAGGATTTCAGGAGTGTCCCAGACGTAGCAACCAATGCCTTTCAGCCAGTTGAGGTCATC-3'
Protein context (NP_001157980.2, residues 6557-6577): CYVWDTPEIL[His6567Asn]AKHAYDLRDD